The following is an entry in ClinVar:

ClinVar aggregate classification (germline): Benign/Likely benign. Review status: criteria provided, multiple submitters, no conflicts (2 of 4 stars). 3 submissions from 3 submitters: Benign (1); Likely benign (2). Last evaluated 2023-02-01.

Conditions:
Progressive myoclonic epilepsy. Also called: Familial progressive myoclonic epilepsy; Myoclonic Epilepsies, Progressive; Myoclonus epilepsy; Progressive myoclonus epilepsy. Identifiers: Orphanet 308, Orphanet 98261, MedGen C0751778, MONDO:0020074.

Allele frequency attached by ClinVar (database versions not stated): 1000 Genomes Project 0.00399; 1000 Genomes Project 30x 0.00437; TOPMed 0.00774; gnomAD 0.00787 and 0.00811.

Submissions (3):

CeGaT Center for Human Genetics Tuebingen
Classification: Benign. Last evaluated: 2023-02-01. Review status: criteria provided, single submitter. Criteria: CeGaT Center For Human Genetics Tuebingen Variant Classification Criteria Version 2. Collection method: clinical testing. Allele origin: germline. Affected: yes. Observed: 1 variant allele.
Comment: PRICKLE2: BS1, BS2; PRICKLE2-AS1: BS1, BS2

Illumina Laboratory Services, Illumina
Classification: Likely benign for Progressive myoclonic epilepsy. Last evaluated: 2018-01-13. Review status: criteria provided, single submitter. Criteria: ICSL Variant Classification Criteria 13 December 2019. Collection method: clinical testing. Allele origin: germline.
Comment: This variant was observed in the ICSL laboratory as part of a predisposition screen in an ostensibly healthy population. It had not been previously curated by ICSL or reported in the Human Gene Mutation Database (HGMD: prior to June 1st, 2018), and was therefore a candidate for classification through an automated scoring system. Utilizing variant allele frequency, disease prevalence and penetrance estimates, and inheritance mode, an automated score was calculated to assess if this variant is too frequent to cause the disease. Based on the score and internal cut-off values, a variant classified as likely benign is not then subjected to further curation. The score for this variant resulted in a classification of likely benign for this disease.

Breakthrough Genomics
Classification: Likely benign. Review status: criteria provided, single submitter. Criteria: ACMG Guidelines, 2015. Collection method: not provided. Allele origin: germline. Inheritance: Unknown mechanism. Affected: yes.

NM_198859.4(PRICKLE2):c.*3489G>A

Genes: PRICKLE2 (prickle planar cell polarity protein 2; minus strand), PRICKLE2-AS1 (PRICKLE2 antisense RNA 1; plus strand). Cytogenetic location: 3p14.1.
Variant type: single nucleotide variant.
Coding change: c.*3489G>A on transcript NM_198859.4 (MANE Select); 3489 bases downstream of the stop codon, G replaced by A.
Molecular consequence: 3 prime UTR variant.
Genome position (GRCh38, 1-based): chr3:64,095,562, C>T on the plus strand (G>A on the coding strand, the complement: PRICKLE2 is on the minus strand). VCF-style: chr3-64095562-C-T. GRCh37 (hg19) VCF-style: chr3-64081238-C-T.
Other names: c.*3489G>A (NM_001370528.1).
Identifiers: ClinVar variation 902663 (VCV000902663.29), dbSNP rs143062140, ClinGen allele CA75714036.